The following is an entry in ClinVar:

NM_022739.4(SMURF2):c.945C>T (p.Phe315=)

Gene: SMURF2 (SMAD specific E3 ubiquitin protein ligase 2; minus strand). Cytogenetic location: 17q23.3.
Variant type: single nucleotide variant.
Coding change: c.945C>T on transcript NM_022739.4 (MANE Select); coding-DNA position 945, C replaced by T.
Protein change: p.Phe315=; no amino-acid change (phenylalanine 315 retained).
Molecular consequence: synonymous variant.
Genome position (GRCh38, 1-based): chr17:64,571,869, G>A on the plus strand (C>T on the coding strand, the complement: SMURF2 is on the minus strand). VCF-style: chr17-64571869-G-A. GRCh37 (hg19) VCF-style: chr17-62567987-G-A.
Identifiers: ClinVar variation 777211 (VCV000777211.6), dbSNP rs34788315, ClinGen allele CA8715010.

ClinVar aggregate classification (germline): Benign. Review status: criteria provided, multiple submitters, no conflicts (2 of 4 stars). 3 submissions from 3 submitters: Benign (2). 1 of the submissions does not count toward it. Last evaluated 2018-04-20.

Conditions:
SMURF2-related disorder. Also called: SMURF2-related condition.

Allele frequency attached by ClinVar (database versions not stated): gnomAD exomes 0.00283 and 0.00746; ExAC 0.00932; gnomAD 0.02786 and 0.02993; TOPMed 0.03191; 1000 Genomes Project 0.03195; ESP Exome Variant Server 0.03199; 1000 Genomes Project 30x 0.03357.
gnomAD v4.1: 8,537 of 1,613,718 alleles (0.53%); highest among the groups gnomAD compares: African/African-American, 10%; 400 homozygotes.

Submissions (3):

Labcorp Genetics (formerly Invitae), Labcorp
Classification: Benign. Last evaluated: 2018-04-20. Review status: criteria provided, single submitter. Criteria: Invitae Variant Classification Sherloc (09022015). Collection method: clinical testing. Allele origin: germline.

Breakthrough Genomics
Classification: Benign. Review status: criteria provided, single submitter. Criteria: ACMG Guidelines, 2015. Collection method: not provided. Allele origin: germline. Inheritance: Unknown mechanism. Affected: yes.

PreventionGenetics, part of Exact Sciences
Classification: Benign for SMURF2-related condition. Last evaluated: 2019-07-10. Review status: no assertion criteria provided. Collection method: clinical testing. Allele origin: germline. Not counted in ClinVar's aggregate classification.
Comment: This variant is classified as benign based on ACMG/AMP sequence variant interpretation guidelines (Richards et al. 2015 PMID: 25741868, with internal and published modifications).